The following is an entry in ClinVar:

NM_004064.5(CDKN1B):c.14del (p.Arg5fs)

Gene: CDKN1B (cyclin dependent kinase inhibitor 1B; plus strand). Cytogenetic location: 12p13.1.
Variant type: Deletion.
Coding change: c.14del on transcript NM_004064.5 (MANE Select); coding-DNA position 14, one base deleted (G; older notation c.14delG).
Protein change: p.Arg5fs; shifts the reading frame from arginine 5.
Molecular consequence: frameshift variant.
Genome position (GRCh38, 1-based): chr12:12,717,853, G deleted. VCF-style (leftmost placement, unchanged base first): chr12-12717852-CG-C. GRCh37 (hg19) VCF-style: chr12-12870786-CG-C.
Other names: short protein forms R5fs.
Identifiers: ClinVar variation 4842696 (VCV004842696.1).

ClinVar aggregate classification (germline): Likely pathogenic (1 of 4 stars; one submission).

Conditions:
Hereditary cancer-predisposing syndrome. Also called: Neoplastic Syndromes, Hereditary; Tumor predisposition; Hereditary Cancer Syndrome; Hereditary neoplastic syndrome. Identifiers: Orphanet 140162, MedGen C0027672, MeSH D009386, MONDO:0015356.

Submission:

Ambry Genetics
Classification: Likely pathogenic for Hereditary cancer-predisposing syndrome. Last evaluated: 2026-01-07. Review status: criteria provided, single submitter. Criteria: Ambry Variant Classification Scheme 2023. Collection method: clinical testing. Allele origin: germline.
Comment: The c.14delG variant, located in coding exon 1 of the CDKN1B gene, results from a deletion of one nucleotide at nucleotide position 14, causing a translational frameshift with a predicted alternate stop codon (p.R5Qfs*37). The predicted stop codon occurs in the 5&rsquo; end of thegene. Premature termination codons in the 5&rsquo; end of a gene have been reported to escape nonsense-mediated mRNAdecay and/or lead to re-initiation (Rivas et al. Science. 2015 May 8;348(6235):666-9; Lindeboom et al. Nat Genet. 2016 Oct;48(10):1112-8; Rhee et al. Sci Rep. 2017 May 10;7(1):1653). Direct evidence for this alteration is unavailable, however premature termination codons are typically deleterious in nature. This variant is considered to be rare based on population cohorts in the Genome Aggregation Database (gnomAD). Based on the majority of available evidence to date, this variant is likely to be pathogenic.